The following is an entry in ClinVar:

NM_001371986.1(UNC80):c.6646+1del

Gene: UNC80 (unc-80 subunit of NALCN channel complex; plus strand). Cytogenetic location: 2q34.
Variant type: Deletion.
Coding change: c.6646+1del on transcript NM_001371986.1 (MANE Select); the canonical splice donor site of the intron after coding-DNA position 6646, one base deleted (G; older notation c.6646+1delG).
Molecular consequence: splice donor variant.
Genome position (GRCh38, 1-based): chr2:209,939,653, G deleted; the last of 2 consecutive G bases (chr2:209,939,652-209,939,653); deleting either gives the same sequence. VCF-style (leftmost placement, unchanged base first): chr2-209939651-AG-A. GRCh37 (hg19) VCF-style: chr2-210804375-AG-A.
Other names: c.6448del (NM_032504.1); c.6448+1del (NM_032504.2); c.6433+1del (NM_182587.4).
Identifiers: ClinVar variation 976333 (VCV000976333.1), dbSNP rs2091489920, ClinGen allele CA1139657680.
Genomic context (GRCh38, chr2:209,939,651, plus strand): 5'-CCTGCCCTCATTCCCTCGTAGTGCTATTGATGCTGAGTTTTCACTCTTCAGTGATCCTCA[AG>A]GTATCAAACAAAGAAACATTGCCTCTCTGGGGCTTTTTCTAACACACTTGTTGTTTTTTT-3'

ClinVar aggregate classification (germline): Pathogenic (1 of 4 stars; one submission).

Conditions:
Hypotonia, infantile, with psychomotor retardation and characteristic facies 2 (IHPRF2). Also called: UNC80 Deficiency. Identifiers: Orphanet 371364, Orphanet 700333, MedGen C4225203, MONDO:0014777, OMIM 616801.

Submission:

Institute of Human Genetics, University of Leipzig Medical Center
Classification: Pathogenic for Hypotonia, infantile, with psychomotor retardation and characteristic facies 2. Last evaluated: 2019-01-28. Review status: criteria provided, single submitter. Criteria: ACMG Guidelines, 2015. Collection method: clinical testing. Allele origin: germline. Affected: yes. Observed: 1 variant allele.
Comment: This variant was identified as homozygous